The following is an entry in ClinVar:

NM_006180.6(NTRK2):c.544A>G (p.Lys182Glu)

Gene: NTRK2 (neurotrophic receptor tyrosine kinase 2; plus strand). Cytogenetic location: 9q21.33.
Variant type: single nucleotide variant.
Coding change: c.544A>G on transcript NM_006180.6 (MANE Select); coding-DNA position 544, A replaced by G.
Protein change: p.Lys182Glu; replaces lysine 182 with glutamic acid.
Molecular consequence: missense variant.
Genome position (GRCh38, 1-based): chr9:84,710,752, A>G. VCF-style: chr9-84710752-A-G. GRCh37 (hg19) VCF-style: chr9-87325667-A-G.
Other names: c.544A>G, p.Lys182Glu (NM_001007097.3, NM_001018064.3, NM_001018065.2 and 19 more transcripts); c.76A>G, p.Lys26Glu (NM_001369535.1, NM_001369536.1, NM_001369550.1 and 2 more transcripts); short protein forms K26E, K182E.
Identifiers: ClinVar variation 1973848 (VCV001973848.5), dbSNP rs199957207, ClinGen allele CA195744698.
Genomic context (GRCh38, chr9:84,710,752, plus strand): 5'-CTCCAAGAGGCTAAATCCAGTCCAGACACTCAGGATTTGTACTGCCTGAATGAAAGCAGC[A>G]AGAATATTCCCCTGGCAAACCTGCAGATACCCAATTGTGGTAATTTATTTTTAAATCAAT-3'
Protein context (NP_006171.2, residues 172-192): QDLYCLNESS[Lys182Glu]NIPLANLQIP

ClinVar aggregate classification (germline): Uncertain significance (1 of 4 stars; one submission).

Allele frequency attached by ClinVar (database versions not stated): gnomAD exomes below 0.00001; gnomAD 0.00001.
gnomAD v4.1: 2 of 1,614,074 alleles (0.00012%); highest among the groups gnomAD compares: Admixed American, 0.0017%; no homozygotes.

Submission:

Labcorp Genetics (formerly Invitae), Labcorp
Classification: Uncertain significance. Last evaluated: 2022-08-16. Review status: criteria provided, single submitter. Criteria: Invitae Variant Classification Sherloc (09022015). Collection method: clinical testing. Allele origin: germline.
Comment: This variant has not been reported in the literature in individuals affected with NTRK2-related conditions. Advanced modeling of protein sequence and biophysical properties (such as structural, functional, and spatial information, amino acid conservation, physicochemical variation, residue mobility, and thermodynamic stability) performed at Invitae indicates that this missense variant is expected to disrupt NTRK2 protein function. In summary, the available evidence is currently insufficient to determine the role of this variant in disease. Therefore, it has been classified as a Variant of Uncertain Significance. This variant is present in population databases (rs199957207, gnomAD 0.1%). This sequence change replaces lysine, which is basic and polar, with glutamic acid, which is acidic and polar, at codon 182 of the NTRK2 protein (p.Lys182Glu).